The following is an entry in ClinVar:

ClinVar aggregate classification (germline): Benign. Review status: criteria provided, multiple submitters, no conflicts (2 of 4 stars). 2 submissions from 2 submitters: Benign (2). Last evaluated 2018-06-14.

Allele frequency attached by ClinVar (database versions not stated): gnomAD exomes 0.06366; 1000 Genomes Project 0.16174; gnomAD 0.16700 and 0.17579; 1000 Genomes Project 30x 0.17270; TOPMed 0.18012.
gnomAD v4.1: 91,748 of 1,181,186 alleles (7.8%); highest among the groups gnomAD compares: African/African-American, 45%; 8,727 homozygotes.

Submissions (2):

GeneDx
Classification: Benign. Last evaluated: 2018-06-14. Review status: criteria provided, single submitter. Criteria: GeneDx Variant Classification (06012015). Collection method: clinical testing. Allele origin: germline. Affected: yes.
Comment: This variant is considered likely benign or benign based on one or more of the following criteria: it is a conservative change, it occurs at a poorly conserved position in the protein, it is predicted to be benign by multiple in silico algorithms, and/or has population frequency not consistent with disease.

Breakthrough Genomics
Classification: Benign. Review status: criteria provided, single submitter. Criteria: ACMG Guidelines, 2015. Collection method: not provided. Allele origin: germline. Inheritance: Autosomal recessive inheritance. Affected: yes.

NM_016035.5(COQ4):c.299+57C>G

Gene: COQ4 (coenzyme Q4; plus strand). Cytogenetic location: 9q34.11.
Variant type: single nucleotide variant.
Coding change: c.299+57C>G on transcript NM_016035.5 (MANE Select); 57 bases into the intron after coding-DNA position 299, C replaced by G.
Molecular consequence: intron variant.
Genome position (GRCh38, 1-based): chr9:128,325,296, C>G. VCF-style: chr9-128325296-C-G. GRCh37 (hg19) VCF-style: chr9-131087575-C-G.
Other names: c.203-483C>G (NM_001305942.2).
Identifiers: ClinVar variation 676301 (VCV000676301.2), dbSNP rs7022308, ClinGen allele CA13076056.